The following is an entry in ClinVar:

NM_001126128.2(PROK2):c.-2C>A

Gene: PROK2 (prokineticin 2; minus strand). Cytogenetic location: 3p13.
Variant type: single nucleotide variant.
Coding change: c.-2C>A on transcript NM_001126128.2 (MANE Select); 2 bases upstream of the start codon, C replaced by A.
Molecular consequence: 5 prime UTR variant.
Genome position (GRCh38, 1-based): chr3:71,785,054, G>T on the plus strand (C>A on the coding strand, the complement: PROK2 is on the minus strand). VCF-style: chr3-71785054-G-T. GRCh37 (hg19) VCF-style: chr3-71834205-G-T.
Other names: c.-2C>A (NM_021935.4).
Identifiers: ClinVar variation 1304884 (VCV001304884.2), dbSNP rs2108200396, ClinGen allele CA2573052239.
Genomic context (GRCh38, chr3:71,785,054, plus strand): 5'-AGCAGCAGCGGCGGCAGCAGCAAGAGGAGCAGGAGTGGGGCGCAGCACAGGCTCCTCATG[G>T]CGCCCTCGGGACTGGGCGGCCGCCGGAGGCAGTTGGGGGCGCGGGGCCCGGGTGCGCTGG-3'

ClinVar aggregate classification (germline): Uncertain significance (1 of 4 stars; one submission).

Allele frequency attached by ClinVar (database versions not stated): gnomAD exomes 0.00001.
gnomAD v4.1: 10 of 1,237,772 alleles (0.00081%); highest among the groups gnomAD compares: Non-Finnish European, 0.001%; no homozygotes.

Submission:

GeneDx
Classification: Uncertain significance. Last evaluated: 2020-02-10. Review status: criteria provided, single submitter. Criteria: GeneDx Variant Classification Process June 2021. Collection method: clinical testing. Allele origin: germline. Affected: yes.
Comment: Occurs in the 5'-untranslated region of the PROK2 gene and affects the Kozak consensus sequence; Not observed in large population cohorts (Lek et al., 2016); Has not been previously published as pathogenic or benign to our knowledge